The following is an entry in ClinVar:

NM_000548.5(TSC2):c.2393_2394dup (p.Arg799fs)

Gene: TSC2 (TSC complex subunit 2; plus strand). Cytogenetic location: 16p13.3.
Variant type: Duplication.
Coding change: c.2393_2394dup on transcript NM_000548.5 (MANE Select); coding-DNA positions 2393 to 2394, 2 bases duplicated (AC; older notation c.2393_2394dupAC).
Protein change: p.Arg799fs; shifts the reading frame from arginine 799.
Molecular consequence: frameshift variant.
Genome position (GRCh38, 1-based): chr16:2,074,237-2,074,238, AC duplicated; duplicating any 2 consecutive bases within chr16:2,074,236-2,074,238 gives the same sequence; the c. name uses the placement nearest the transcript's 3' end. VCF-style (leftmost placement, unchanged base first): chr16-2074235-C-CCA. GRCh37 (hg19) VCF-style: chr16-2124236-C-CCA.
Other names: c.2393_2394dup, p.Arg799fs (NM_001077183.3, NM_001114382.3, NM_001363528.2 and 3 more transcripts); c.2282_2283dup, p.Arg762fs (NM_001318827.2); c.2246_2247dup, p.Arg750fs (NM_001318829.2); c.1793_1794dup, p.Arg599fs (NM_001318831.2); c.2426_2427dup, p.Arg810fs (NM_001318832.2); short protein forms R599fs, R810fs, R750fs, R762fs, R799fs.
Identifiers: ClinVar variation 427992 (VCV000427992.5), dbSNP rs1114167463, ClinGen allele CA645369670.

ClinVar aggregate classification (germline): Pathogenic (1 of 4 stars; one submission).

Conditions:
Hereditary cancer-predisposing syndrome. Also called: Hereditary Cancer Syndrome; Neoplastic Syndromes, Hereditary; Hereditary neoplastic syndrome; Tumor predisposition. Identifiers: Orphanet 140162, MedGen C0027672, MeSH D009386, MONDO:0015356.

Submission:

Ambry Genetics
Classification: Pathogenic for Hereditary cancer-predisposing syndrome. Last evaluated: 2016-06-10. Review status: criteria provided, single submitter. Criteria: Ambry Variant Classification Scheme 2023. Collection method: clinical testing. Allele origin: germline.
Comment: The c.2393_2394dupAC pathogenic mutation, located in coding exon 21 of the TSC2 gene, results from a duplication of AC at nucleotide position 2393, causing a translational frameshift with a predicted alternate stop codon (p.R799Tfs*31). Since frameshifts are typically deleterious in nature, this alteration is interpreted as a disease-causing mutation (ACMG Recommendations for Standards for Interpretation and Reporting of Sequence Variations. Revision 2007. Genet Med. 2008;10:294).